The following is an entry in ClinVar:

NM_018993.4(RIN2):c.842G>C (p.Ser281Thr)

Gene: RIN2 (Ras and Rab interactor 2; plus strand). Cytogenetic location: 20p11.23.
Variant type: single nucleotide variant.
Coding change: c.842G>C on transcript NM_018993.4 (MANE Select); coding-DNA position 842, G replaced by C.
Protein change: p.Ser281Thr; replaces serine 281 with threonine.
Molecular consequence: missense variant.
Genome position (GRCh38, 1-based): chr20:19,974,867, G>C. VCF-style: chr20-19974867-G-C. GRCh37 (hg19) VCF-style: chr20-19955511-G-C.
Other names: c.989G>C, p.Ser330Thr (NM_001242581.2); c.224G>C, p.Ser75Thr (NM_001378238.1); short protein forms S281T, S330T, S75T.
Identifiers: ClinVar variation 2506037 (VCV002506037.2), dbSNP rs745328547, ClinGen allele CA9779946.

ClinVar aggregate classification (germline): Uncertain significance. Review status: criteria provided, multiple submitters, no conflicts (2 of 4 stars). 2 submissions from 2 submitters: Uncertain significance (2). Last evaluated 2025-12-08.

Allele frequency attached by ClinVar (database versions not stated): gnomAD 0.00001; gnomAD exomes 0.00001; ExAC 0.00002; TOPMed 0.00003.
gnomAD v4.1: 12 of 1,613,904 alleles (0.00074%); highest among the groups gnomAD compares: Non-Finnish European, 0.00093%; no homozygotes.

Submissions (2):

Labcorp Genetics (formerly Invitae), Labcorp
Classification: Uncertain significance. Last evaluated: 2025-12-08. Review status: criteria provided, single submitter. Criteria: Invitae Variant Classification Sherloc (09022015). Collection method: clinical testing. Allele origin: germline.
Comment: This sequence change replaces serine, which is neutral and polar, with threonine, which is neutral and polar, at codon 281 of the RIN2 protein (p.Ser281Thr). This variant is present in population databases (rs745328547, gnomAD 0.003%). This variant has not been reported in the literature in individuals affected with RIN2-related conditions. ClinVar contains an entry for this variant (Variation ID: 2506037). Experimental studies and prediction algorithms are not available or were not evaluated, and the functional significance of this variant is currently unknown. In summary, the available evidence is currently insufficient to determine the role of this variant in disease. Therefore, it has been classified as a Variant of Uncertain Significance.

Women's Health and Genetics/Laboratory Corporation of America, LabCorp
Classification: Uncertain significance. Last evaluated: 2023-05-12. Review status: criteria provided, single submitter. Criteria: LabCorp Variant Classification Summary - May 2015. Collection method: clinical testing. Allele origin: germline.
Comment: Variant summary: RIN2 c.842G>C (p.Ser281Thr) results in a conservative amino acid change in the encoded protein sequence. Four of five in-silico tools predict a benign effect of the variant on protein function. The variant allele was found at a frequency of 2e-05 in 249050 control chromosomes. The available data on variant occurrences in the general population are insufficient to allow any conclusion about variant significance. To our knowledge, no occurrence of c.842G>C in individuals affected with RIN2 Syndrome and no experimental evidence demonstrating its impact on protein function have been reported. No clinical diagnostic laboratories have submitted clinical-significance assessments for this variant to ClinVar after 2014. Based on the evidence outlined above, the variant was classified as uncertain significance.